The following is an entry in ClinVar:

NM_000128.4(F11):c.996_997del (p.Thr333fs)

Gene: F11 (coagulation factor XI; plus strand). Cytogenetic location: 4q35.2.
Variant type: Microsatellite.
Coding change: c.996_997del on transcript NM_000128.4 (MANE Select); coding-DNA positions 996 to 997, 2 bases deleted (TA; older notation c.996_997delTA).
Protein change: p.Thr333fs; shifts the reading frame from threonine 333.
Molecular consequence: frameshift variant.
Genome position (GRCh38, 1-based): chr4:186,280,353-186,280,354, TA deleted; deleting any 2 consecutive bases within chr4:186,280,351-186,280,354 gives the same sequence; the c. name uses the placement nearest the transcript's 3' end. VCF-style (leftmost placement, unchanged base first): chr4-186280350-CTA-C. GRCh37 (hg19) VCF-style: chr4-187201504-CTA-C.
Other names: c.948_949del, p.Thr317fs (NM_001440590.1, NM_001440596.1); c.996_997del, p.Thr333fs (NM_001440593.1); c.726_727del, p.Thr243fs (NM_001440605.1, NM_001440607.1); c.678_679del, p.Thr227fs (NM_001440606.1, NM_001440608.1); short protein forms T227fs, T243fs, T317fs, T333fs.
Identifiers: ClinVar variation 5012072 (VCV005012072.1).

ClinVar aggregate classification (germline): Pathogenic (1 of 4 stars; one submission).

Conditions:
Hereditary factor XI deficiency disease. Also called: PLASMA THROMBOPLASTIN ANTECEDENT DEFICIENCY; PTA DEFICIENCY; ROSENTHAL SYNDROME; Congenital factor XI deficiency. Identifiers: Orphanet 329, MedGen C0015523, MeSH D005173, MONDO:0012897, OMIM 612416.

Submission:

Myriad Genetics, Inc.
Classification: Pathogenic for Hereditary factor XI deficiency disease. Last evaluated: 2024-05-14. Review status: criteria provided, single submitter. Criteria: Myriad Autosomal Dominant, Autosomal Recessive and X-Linked Classification Criteria (2023). Collection method: clinical testing. Allele origin: unknown.
Comment: NM_000128.3(F11):c.996_997delTA(T333Pfs*25) is expected to be pathogenic in the context of factor XI deficiency. This variant is predicted to lead to an abnormal or absent protein product due to the creation of a premature termination codon in F11, a gene where loss-of-function variants are known to be pathogenic. Please note: this variant was assessed in the context of healthy population screening.